The following is an entry in ClinVar:

ClinVar aggregate classification (germline): Likely pathogenic (1 of 4 stars; one submission).

Conditions:
Mucopolysaccharidosis type 7 (MPS7). Also called: MPS VII; BETA-GLUCURONIDASE DEFICIENCY; GUSB DEFICIENCY; SLY SYNDROME. Identifiers: Orphanet 584, MedGen C0085132, MONDO:0009662, OMIM 253220.

Submission:

Labcorp Genetics (formerly Invitae), Labcorp
Classification: Likely pathogenic for Mucopolysaccharidosis type 7. Last evaluated: 2022-02-13. Review status: criteria provided, single submitter. Criteria: Invitae Variant Classification Sherloc (09022015). Collection method: clinical testing. Allele origin: germline.
Comment: This variant results in the deletion of part of exon 3 (c.560_581+13del) of the GUSB gene. It is expected to disrupt RNA splicing. Variants that disrupt the donor or acceptor splice site typically lead to a loss of protein function (PMID: 16199547), and loss-of-function variants in GUSB are known to be pathogenic (PMID: 19224584). This variant is not present in population databases (gnomAD no frequency). This variant has not been reported in the literature in individuals affected with GUSB-related conditions. Algorithms developed to predict the effect of sequence changes on RNA splicing suggest that this variant may disrupt the consensus splice site. In summary, the currently available evidence indicates that the variant is pathogenic, but additional data are needed to prove that conclusively. Therefore, this variant has been classified as Likely Pathogenic.

Literature cited by the submitters: PubMed 16199547; PubMed 19224584.

NM_000181.4(GUSB):c.560_581+13del

Gene: GUSB (glucuronidase beta; minus strand). Cytogenetic location: 7q11.21.
Variant type: Deletion.
Coding change: c.560_581+13del on transcript NM_000181.4 (MANE Select); coding-DNA position 560 through 13 bases into the intron after coding-DNA position 581, 35 bases deleted.
Molecular consequence: splice donor variant. On other transcripts: intron variant (3).
Genome position (GRCh38, 1-based): chr7:65,979,714-65,979,748, 35 bases deleted; deleting any 35 consecutive bases within chr7:65,979,714-65,979,755 gives the same sequence; the c. name uses the placement nearest the transcript's 3' end. GRCh37 (hg19): chr7:65,444,708-65,444,742.
Other names: c.67+476_67+510del (NM_001293105.2); c.12-207_12-173del (NM_001293104.2); c.474+86_474+120del (NM_001284290.2).
Identifiers: ClinVar variation 2096972 (VCV002096972.4), dbSNP rs2484840248, ClinGen allele CA2580077313.